The following is an entry in ClinVar:

ClinVar aggregate classification (germline): Uncertain significance (1 of 4 stars; one submission).

Allele frequency attached by ClinVar (database versions not stated): gnomAD exomes below 0.00001.
gnomAD v4.1: 2 of 1,460,120 alleles (0.00014%); highest among the groups gnomAD compares: Non-Finnish European, 0.00018%; no homozygotes.

Submission:

CeGaT Center for Human Genetics Tuebingen
Classification: Uncertain significance. Last evaluated: 2024-07-01. Review status: criteria provided, single submitter. Criteria: CeGaT Center For Human Genetics Tuebingen Variant Classification Criteria Version 2. Collection method: clinical testing. Allele origin: germline. Affected: yes. Observed: 2 variant alleles.
Comment: GRIN2D: PM2, PP2

NM_000836.4(GRIN2D):c.289C>A (p.Arg97Ser)

Gene: GRIN2D (glutamate ionotropic receptor NMDA type subunit 2D; plus strand). Cytogenetic location: 19q13.33.
Variant type: single nucleotide variant.
Coding change: c.289C>A on transcript NM_000836.4 (MANE Select); coding-DNA position 289, C replaced by A.
Protein change: p.Arg97Ser; replaces arginine 97 with serine.
Molecular consequence: missense variant.
Genome position (GRCh38, 1-based): chr19:48,398,681, C>A. VCF-style: chr19-48398681-C-A. GRCh37 (hg19) VCF-style: chr19-48901938-C-A.
Other names: short protein forms R97S.
Identifiers: ClinVar variation 3239521 (VCV003239521.19), dbSNP rs2516062381.